The following is an entry in ClinVar:

NM_001366110.1(PAX4):c.225C>G (p.Ser75Arg)

Gene: PAX4 (paired box 4; minus strand). Cytogenetic location: 7q32.1.
Variant type: single nucleotide variant.
Coding change: c.225C>G on transcript NM_001366110.1 (MANE Select); coding-DNA position 225, C replaced by G.
Protein change: p.Ser75Arg; replaces serine 75 with arginine.
Molecular consequence: missense variant.
Genome position (GRCh38, 1-based): chr7:127,615,015, G>C on the plus strand (C>G on the coding strand, the complement: PAX4 is on the minus strand). VCF-style: chr7-127615015-G-C. GRCh37 (hg19) VCF-style: chr7-127255069-G-C.
Other names: NG_012848.1:g.5712C>G; NP_001353039.1:p.(Ser75Arg); NM_006193.2:c.201C>G; c.225C>G, p.Ser75Arg (NM_001366111.1); short protein forms S75R.
Identifiers: ClinVar variation 2580177 (VCV002580177.6), dbSNP rs759379107, ClinGen allele CA4468156.

ClinVar aggregate classification (germline): Uncertain significance. Review status: criteria provided, multiple submitters, no conflicts (2 of 4 stars). 3 submissions from 3 submitters: Uncertain significance (3). Last evaluated 2025-01-08.

Conditions:
Maturity-onset diabetes of the young type 9 (MODY9). Identifiers: Orphanet 552, MedGen C2677132, MONDO:0012818, OMIM 612225.

Allele frequency attached by ClinVar (database versions not stated): TOPMed 0.00002; gnomAD 0.00003; ExAC 0.00004; gnomAD exomes 0.00004.

Submissions (3):

Ambry Genetics
Classification: Uncertain significance. Last evaluated: 2025-01-08. Review status: criteria provided, single submitter. Criteria: Ambry Variant Classification Scheme 2023. Collection method: clinical testing. Allele origin: germline.

Labcorp Genetics (formerly Invitae), Labcorp
Classification: Uncertain significance. Last evaluated: 2024-01-25. Review status: criteria provided, single submitter. Criteria: Invitae Variant Classification Sherloc (09022015). Collection method: clinical testing. Allele origin: germline.
Comment: This sequence change replaces serine, which is neutral and polar, with arginine, which is basic and polar, at codon 67 of the PAX4 protein (p.Ser67Arg). This variant is present in population databases (rs759379107, gnomAD 0.03%). This variant has not been reported in the literature in individuals affected with PAX4-related conditions. ClinVar contains an entry for this variant (Variation ID: 2580177). An algorithm developed to predict the effect of missense changes on protein structure and function (PolyPhen-2) suggests that this variant is likely to be disruptive. In summary, the available evidence is currently insufficient to determine the role of this variant in disease. Therefore, it has been classified as a Variant of Uncertain Significance.

Department Of Endocrinology, Sanjay Gandhi Postgraduate Institute Of Medical Sciences
Classification: Uncertain significance for Maturity-onset diabetes of the young type 9. Last evaluated: 2023-08-15. Review status: criteria provided, single submitter. Criteria: ACMG Guidelines, 2015. Collection method: clinical testing. Allele origin: unknown. Inheritance: Autosomal dominant inheritance. Affected: yes. Observed: 1 heterozygote.
Comment: Heterozygous missense variation in exon 5 of the PAX4 gene (chr7:g.127615015G>C) that results in the amino acid substitution of Arginine for Serine at codon 75. The variant has not been reported in the 1000 genomes, and has a frequency of 0.000033 in gnomAD genomes database. The in-silico prediction of the variant is damaging by SIFT and Mutation Taster2 (PP3). The reference codon is conserved across species.